The following is an entry in ClinVar:

NM_017739.4(POMGNT1):c.677C>T (p.Ser226Phe)

Genes: POMGNT1 (protein O-linked mannose N-acetylglucosaminyltransferase 1 (beta 1,2-); minus strand), TSPAN1 (tetraspanin 1; plus strand). Cytogenetic location: 1p34.1.
Variant type: single nucleotide variant.
Coding change: c.677C>T on transcript NM_017739.4 (MANE Select); coding-DNA position 677, C replaced by T.
Protein change: p.Ser226Phe; replaces serine 226 with phenylalanine.
Molecular consequence: missense variant.
Genome position (GRCh38, 1-based): chr1:46,194,627, G>A on the plus strand (C>T on the coding strand, the complement: POMGNT1 is on the minus strand). VCF-style: chr1-46194627-G-A. GRCh37 (hg19) VCF-style: chr1-46660299-G-A.
Other names: c.677C>T, p.Ser226Phe (NM_001243766.2, NM_001410783.1); c.611C>T, p.Ser204Phe (NM_001290129.3); c.248C>T, p.Ser83Phe (NM_001290130.2); short protein forms S204F, S83F, S226F.
Identifiers: ClinVar variation 1450197 (VCV001450197.8), dbSNP rs147938876, ClinGen allele CA833643.

ClinVar aggregate classification (germline): Uncertain significance. Review status: criteria provided, multiple submitters, no conflicts (2 of 4 stars). 3 submissions from 3 submitters: Uncertain significance (2). 1 of the submissions does not count toward it. Last evaluated 2026-04-01.

Conditions:
Retinal dystrophy. Also called: Inherited retinal dystrophy. Identifiers: Orphanet 71862, MedGen C0854723, MeSH D058499, MONDO:0019118, HP:0000556.
Autosomal recessive limb-girdle muscular dystrophy type 2O. Also called: Limb-Girdle Muscular Dystrophy Type 3C; MUSCULAR DYSTROPHY-DYSTROGLYCANOPATHY (LIMB-GIRDLE), TYPE C, 3; MUSCULAR DYSTROPHY-DYSTROGLYCANOPATHY, LIMB-GIRDLE, POMGNT1-RELATED. Identifiers: Orphanet 206564, MedGen C3150417, MONDO:0013161, OMIM 613157.
Muscular dystrophy-dystroglycanopathy (congenital with impaired intellectual development), type B, 3. Also called: Muscular dystrophy-dystroglycanopathy (congenital with intellectual disability), type B3; MUSCULAR DYSTROPHY, CONGENITAL, POMGNT1-RELATED. Identifiers: MedGen C3150412, MONDO:0013155, OMIM 613151.

Allele frequency attached by ClinVar (database versions not stated): gnomAD exomes below 0.00001 and 0.00002; ExAC 0.00003; gnomAD 0.00002 and 0.00001; TOPMed 0.00001; 1000 Genomes Project 30x 0.00016; 1000 Genomes Project 0.00020.
gnomAD v4.1: 7 of 1,614,230 alleles (0.00043%); highest among the groups gnomAD compares: Non-Finnish European, 0.00059%; no homozygotes.

Submissions (3):

CeGaT Center for Human Genetics Tuebingen
Classification: Uncertain significance. Last evaluated: 2026-04-01. Review status: criteria provided, single submitter. Criteria: CeGaT Center For Human Genetics Tuebingen Variant Classification Criteria Version 2. Collection method: clinical testing. Allele origin: germline. Affected: yes. Observed: 1 variant allele.
Comment: POMGNT1: PM2

Labcorp Genetics (formerly Invitae), Labcorp
Classification: Uncertain significance for Autosomal recessive limb-girdle muscular dystrophy type 2O; Muscular dystrophy-dystroglycanopathy (congenital with impaired intellectual development), type B, 3. Last evaluated: 2021-12-10. Review status: criteria provided, single submitter. Criteria: Invitae Variant Classification Sherloc (09022015). Collection method: clinical testing. Allele origin: germline.
Comment: This sequence change replaces serine, which is neutral and polar, with phenylalanine, which is neutral and non-polar, at codon 226 of the POMGNT1 protein (p.Ser226Phe). This variant is present in population databases (rs147938876, gnomAD 0.003%). This variant has not been reported in the literature in individuals affected with POMGNT1-related conditions. Advanced modeling of protein sequence and biophysical properties (such as structural, functional, and spatial information, amino acid conservation, physicochemical variation, residue mobility, and thermodynamic stability) performed at Invitae indicates that this missense variant is not expected to disrupt POMGNT1 protein function. In summary, the available evidence is currently insufficient to determine the role of this variant in disease. Therefore, it has been classified as a Variant of Uncertain Significance.

Institute of Human Genetics, Univ. Regensburg, Univ. Regensburg
Classification: Uncertain significance for Retinal dystrophy. Last evaluated: 2019-01-01. Review status: no assertion criteria provided. Criteria: ACMG Guidelines, 2015. Collection method: clinical testing. Allele origin: germline. Affected: yes. Not counted in ClinVar's aggregate classification.